The following is an entry in ClinVar:

ClinVar aggregate classification (germline): Uncertain significance (1 of 4 stars; one submission).

Conditions:
Familial thoracic aortic aneurysm and aortic dissection (TAAD). Also called: Thoracic aortic aneurysms and dissections. Identifiers: Orphanet 91387, MedGen C4707243, MONDO:0019625.

Submission:

Color Diagnostics, LLC DBA Color Health
Classification: Uncertain significance for Familial thoracic aortic aneurysm and aortic dissection. Last evaluated: 2025-06-09. Review status: criteria provided, single submitter. Criteria: ACMG Guidelines, 2015. Collection method: clinical testing. Allele origin: germline.
Comment: This missense variant replaces glutamine with arginine at codon 1854 of the FBN1 protein. Computational prediction suggests that this variant may not impact protein structure and function. To our knowledge, functional studies have not been reported for this variant. This variant has not been reported in individuals affected with FBN1-related disorders in the literature. This variant has not been identified in the general population by the Genome Aggregation Database (gnomAD). The available evidence is insufficient to determine the role of this variant in disease conclusively. Therefore, this variant is classified as a Variant of Uncertain Significance.

NM_000138.5(FBN1):c.5561A>G (p.Gln1854Arg)

Gene: FBN1 (fibrillin 1; minus strand). Cytogenetic location: 15q21.1.
Variant type: single nucleotide variant.
Coding change: c.5561A>G on transcript NM_000138.5 (MANE Select); coding-DNA position 5561, A replaced by G.
Protein change: p.Gln1854Arg; replaces glutamine 1854 with arginine.
Molecular consequence: missense variant.
Genome position (GRCh38, 1-based): chr15:48,448,878, T>C on the plus strand (A>G on the coding strand, the complement: FBN1 is on the minus strand). VCF-style: chr15-48448878-T-C. GRCh37 (hg19) VCF-style: chr15-48741075-T-C.
Other names: c.5561A>G, p.Gln1854Arg (NM_001406716.1); short protein forms Q1854R.
Identifiers: ClinVar variation 4756894 (VCV004756894.1).